The following is an entry in ClinVar:

ClinVar aggregate classification (germline): Uncertain significance (1 of 4 stars; one submission).

Submission:

CeGaT Center for Human Genetics Tuebingen
Classification: Uncertain significance. Last evaluated: 2023-07-01. Review status: criteria provided, single submitter. Criteria: CeGaT Center For Human Genetics Tuebingen Variant Classification Criteria Version 2. Collection method: clinical testing. Allele origin: germline. Affected: yes. Observed: 1 variant allele.
Comment: CHD4: PM2

NM_001273.5(CHD4):c.245T>C (p.Leu82Pro)

Gene: CHD4 (chromodomain helicase DNA binding protein 4; minus strand). Cytogenetic location: 12p13.31.
Variant type: single nucleotide variant.
Coding change: c.245T>C on transcript NM_001273.5 (MANE Select); coding-DNA position 245, T replaced by C.
Protein change: p.Leu82Pro; replaces leucine 82 with proline.
Molecular consequence: missense variant.
Genome position (GRCh38, 1-based): chr12:6,602,153, A>G on the plus strand (T>C on the coding strand, the complement: CHD4 is on the minus strand). VCF-style: chr12-6602153-A-G. GRCh37 (hg19) VCF-style: chr12-6711319-A-G.
Other names: c.224T>C, p.Leu75Pro (NM_001297553.2); c.245T>C, p.Leu82Pro (NM_001363606.2); short protein forms L75P, L82P.
Identifiers: ClinVar variation 2578673 (VCV002578673.25), dbSNP rs2540415897, ClinGen allele CA383605097.